The following is an entry in ClinVar:

ClinVar aggregate classification (germline): Conflicting classifications of pathogenicity. Review status: criteria provided, conflicting classifications (1 of 4 stars). 3 submissions from 3 submitters: Likely pathogenic (1); Uncertain significance (2). Last evaluated 2025-04-27.

Conditions:
Ehlers-Danlos syndrome, classic type, 1 (EDSCL1). Also called: EHLERS-DANLOS SYNDROME, GRAVIS TYPE; EHLERS-DANLOS SYNDROME, SEVERE CLASSIC TYPE; Ehlers-Danlos syndrome, type 1; Ehlers-Danlos Syndrome, Classic Type, COL5A1-Related; EDS I. Identifiers: MedGen C0268335, MONDO:0019567, OMIM 130000.

Submissions (3):

Labcorp Genetics (formerly Invitae), Labcorp
Classification: Uncertain significance for Ehlers-Danlos syndrome, classic type, 1. Last evaluated: 2025-04-27. Review status: criteria provided, single submitter. Criteria: Invitae Variant Classification Sherloc (09022015). Collection method: clinical testing. Allele origin: germline.
Comment: This sequence change replaces glycine, which is neutral and non-polar, with arginine, which is basic and polar, at codon 984 of the COL5A2 protein (p.Gly984Arg). This variant is not present in population databases (gnomAD no frequency). This variant has not been reported in the literature in individuals affected with COL5A2-related conditions. ClinVar contains an entry for this variant (Variation ID: 660289). Invitae Evidence Modeling of protein sequence and biophysical properties (such as structural, functional, and spatial information, amino acid conservation, physicochemical variation, residue mobility, and thermodynamic stability) indicates that this missense variant is expected to disrupt COL5A2 protein function with a positive predictive value of 80%. In summary, the available evidence is currently insufficient to determine the role of this variant in disease. Therefore, it has been classified as a Variant of Uncertain Significance.

Mayo Clinic Laboratories, Mayo Clinic
Classification: Likely pathogenic. Last evaluated: 2024-06-28. Review status: criteria provided, single submitter. Criteria: ACMG Guidelines, 2015. Collection method: clinical testing. Allele origin: germline. Observed: 1 variant allele.
Comment: PP3, PM1_strong, PM2

Blueprint Genetics
Classification: Uncertain significance. Last evaluated: 2024-01-19. Review status: criteria provided, single submitter. Criteria: ACMG Guidelines, 2015. Collection method: clinical testing. Allele origin: germline.

NM_000393.5(COL5A2):c.2950G>C (p.Gly984Arg)

Gene: COL5A2 (collagen type V alpha 2 chain; minus strand). Cytogenetic location: 2q32.2.
Variant type: single nucleotide variant.
Coding change: c.2950G>C on transcript NM_000393.5 (MANE Select); coding-DNA position 2950, G replaced by C.
Protein change: p.Gly984Arg; replaces glycine 984 with arginine.
Molecular consequence: missense variant.
Genome position (GRCh38, 1-based): chr2:189,050,658, C>G on the plus strand (G>C on the coding strand, the complement: COL5A2 is on the minus strand). VCF-style: chr2-189050658-C-G. GRCh37 (hg19) VCF-style: chr2-189915384-C-G.
Other names: p.Gly984Arg; short protein forms G984R.
Identifiers: ClinVar variation 660289 (VCV000660289.12), dbSNP rs1576493931, ClinGen allele CA349867178.